The following is an entry in ClinVar:

ClinVar aggregate classification (germline): Uncertain significance (0 of 4 stars; one submission).

Conditions:
ALMS1-related disorder. Also called: ALMS1-related condition.

gnomAD v4.1: 1 of 1,613,710 alleles (0.000062%); highest among the groups gnomAD compares: Non-Finnish European, 0.000085%; no homozygotes.

Submission:

PreventionGenetics, part of Exact Sciences
Classification: Uncertain significance for ALMS1-related condition. Last evaluated: 2023-10-23. Review status: no assertion criteria provided. Collection method: clinical testing. Allele origin: germline.
Comment: The ALMS1 c.3098G>A variant is predicted to result in the amino acid substitution p.Gly1033Glu. To our knowledge, this variant has not been reported in the literature. This variant is reported in 0.0058% of alleles in individuals of Latino descent in gnomAD. At this time, the clinical significance of this variant is uncertain due to the absence of conclusive functional and genetic evidence.

NM_001378454.1(ALMS1):c.3095G>A (p.Gly1032Asp)

Gene: ALMS1 (ALMS1 centrosome and basal body associated protein; plus strand). Cytogenetic location: 2p13.1.
Variant type: single nucleotide variant.
Coding change: c.3095G>A on transcript NM_001378454.1 (MANE Select); coding-DNA position 3095, G replaced by A.
Protein change: p.Gly1032Asp; replaces glycine 1032 with aspartic acid.
Molecular consequence: missense variant.
Genome position (GRCh38, 1-based): chr2:73,449,622, G>A. VCF-style: chr2-73449622-G-A. GRCh37 (hg19) VCF-style: chr2-73676749-G-A.
Other names: c.3098G>A, p.Gly1033Asp (NM_015120.4); short protein forms G1032D, G1033D.
Identifiers: ClinVar variation 3354840 (VCV003354840.1).